The following is an entry in ClinVar:

NM_017780.4(CHD7):c.2894A>G (p.Asn965Ser)

Gene: CHD7 (chromodomain helicase DNA binding protein 7; plus strand). Cytogenetic location: 8q12.2.
Variant type: single nucleotide variant.
Coding change: c.2894A>G on transcript NM_017780.4 (MANE Select); coding-DNA position 2894, A replaced by G.
Protein change: p.Asn965Ser; replaces asparagine 965 with serine.
Molecular consequence: missense variant. On other transcripts: intron variant (1).
Genome position (GRCh38, 1-based): chr8:60,822,082, A>G. VCF-style: chr8-60822082-A-G. GRCh37 (hg19) VCF-style: chr8-61734641-A-G.
Other names: c.1717-40147A>G (NM_001316690.1); c.2894A>G (NM_017780.3); short protein forms N965S.
Identifiers: ClinVar variation 3628635 (VCV003628635.3).

ClinVar aggregate classification (germline): Uncertain significance. Review status: criteria provided, multiple submitters, no conflicts (2 of 4 stars). 2 submissions from 2 submitters: Uncertain significance (2). Last evaluated 2025-01-20.

Conditions:
Inborn genetic diseases. Identifiers: MedGen C0950123, MeSH D030342.
CHARGE syndrome (CHARGE). Also called: Hittner Hirsch Kreh syndrome; CHARGE ASSOCIATION--COLOBOMA, HEART ANOMALY, CHOANAL ATRESIA, RETARDATION, GENITAL AND EAR ANOMALIES; Coloboma, heart anomaly, choanal atresia, retardation, genital and ear anomalies; CHARGE association; Hall-Hittner syndrome. Identifiers: Orphanet 138, MedGen C0265354, MONDO:0008965.

gnomAD v4.1: 5 of 1,613,920 alleles (0.00031%); highest among the groups gnomAD compares: South Asian, 0.0022%; no homozygotes.

Submissions (2):

Ambry Genetics
Classification: Uncertain significance for Inborn genetic diseases. Last evaluated: 2025-01-20. Review status: criteria provided, single submitter. Criteria: Ambry Variant Classification Scheme 2023. Collection method: clinical testing. Allele origin: germline.

Labcorp Genetics (formerly Invitae), Labcorp
Classification: Uncertain significance for CHARGE syndrome. Last evaluated: 2024-12-24. Review status: criteria provided, single submitter. Criteria: Invitae Variant Classification Sherloc (09022015). Collection method: clinical testing. Allele origin: germline.
Comment: This sequence change replaces asparagine, which is neutral and polar, with serine, which is neutral and polar, at codon 965 of the CHD7 protein (p.Asn965Ser). This variant is not present in population databases (gnomAD no frequency). This variant has not been reported in the literature in individuals affected with CHD7-related conditions. Invitae Evidence Modeling of protein sequence and biophysical properties (such as structural, functional, and spatial information, amino acid conservation, physicochemical variation, residue mobility, and thermodynamic stability) indicates that this missense variant is not expected to disrupt CHD7 protein function with a negative predictive value of 95%. In summary, the available evidence is currently insufficient to determine the role of this variant in disease. Therefore, it has been classified as a Variant of Uncertain Significance.